The following is an entry in ClinVar:

NM_001267550.2(TTN):c.50551A>G (p.Ser16851Gly)

Genes: TTN (titin; minus strand), TTN-AS1 (TTN antisense RNA 1; plus strand). Cytogenetic location: 2q31.2.
Variant type: single nucleotide variant.
Coding change: c.50551A>G on transcript NM_001267550.2 (MANE Select); coding-DNA position 50551, A replaced by G.
Protein change: p.Ser16851Gly; replaces serine 16851 with glycine.
Molecular consequence: missense variant.
Genome position (GRCh38, 1-based): chr2:178,611,758, T>C on the plus strand (A>G on the coding strand, the complement: TTN is on the minus strand). VCF-style: chr2-178611758-T-C. GRCh37 (hg19) VCF-style: chr2-179476485-T-C.
Other names: c.45628A>G, p.Ser15210Gly (NM_001256850.1); c.23356A>G, p.Ser7786Gly (NM_003319.4); c.42847A>G, p.Ser14283Gly (NM_133378.4); c.23731A>G, p.Ser7911Gly (NM_133432.3); c.23932A>G, p.Ser7978Gly (NM_133437.4); short protein forms S15210G, S16851G, S14283G, S7911G, S7978G, S7786G.
Identifiers: ClinVar variation 512797 (VCV000512797.1), dbSNP rs1405972121, ClinGen allele CA349595411.

ClinVar aggregate classification (germline): Likely benign (1 of 4 stars; one submission).

Allele frequency attached by ClinVar (database versions not stated): gnomAD exomes below 0.00001; TOPMed below 0.00001; gnomAD 0.00001.
gnomAD v4.1: 2 of 1,611,622 alleles (0.00012%); highest among the groups gnomAD compares: Non-Finnish European, 0.00017%; no homozygotes.

Submission:

GeneDx
Classification: Likely benign. Last evaluated: 2017-08-22. Review status: criteria provided, single submitter. Criteria: GeneDx Variant Classification (06012015). Collection method: clinical testing. Allele origin: germline. Affected: yes.
Comment: This variant is considered likely benign or benign based on one or more of the following criteria: it is a conservative change, it occurs at a poorly conserved position in the protein, it is predicted to be benign by multiple in silico algorithms, and/or has population frequency not consistent with disease.